The following is an entry in ClinVar:

ClinVar aggregate classification (germline): Uncertain significance (1 of 4 stars; one submission).

Allele frequency attached by ClinVar (database versions not stated): gnomAD 0.00001; gnomAD exomes 0.00001; 1000 Genomes Project 30x 0.00016.
gnomAD v4.1: 8 of 1,091,464 alleles (0.00073%); highest among the groups gnomAD compares: South Asian, 0.027%; no homozygotes.

Submission:

Labcorp Genetics (formerly Invitae), Labcorp
Classification: Uncertain significance. Last evaluated: 2021-02-11. Review status: criteria provided, single submitter. Criteria: Invitae Variant Classification Sherloc (09022015). Collection method: clinical testing. Allele origin: germline.
Comment: In summary, the available evidence is currently insufficient to determine the role of this variant in disease. Therefore, it has been classified as a Variant of Uncertain Significance. Algorithms developed to predict the effect of sequence changes on RNA splicing suggest that this variant may create or strengthen a splice site, but this prediction has not been confirmed by published transcriptional studies. Advanced modeling of protein sequence and biophysical properties (such as structural, functional, and spatial information, amino acid conservation, physicochemical variation, residue mobility, and thermodynamic stability) performed at Invitae indicates that this missense variant is not expected to disrupt GRIN2D protein function. This variant has not been reported in the literature in individuals with GRIN2D-related conditions. The frequency data for this variant in the population databases is considered unreliable, as metrics indicate insufficient coverage at this position in the ExAC database. This sequence change replaces glycine with cysteine at codon 986 of the GRIN2D protein (p.Gly986Cys). The glycine residue is weakly conserved and there is a large physicochemical difference between glycine and cysteine.

NM_000836.4(GRIN2D):c.2956G>T (p.Gly986Cys)

Gene: GRIN2D (glutamate ionotropic receptor NMDA type subunit 2D; plus strand). Cytogenetic location: 19q13.33.
Variant type: single nucleotide variant.
Coding change: c.2956G>T on transcript NM_000836.4 (MANE Select); coding-DNA position 2956, G replaced by T.
Protein change: p.Gly986Cys; replaces glycine 986 with cysteine.
Molecular consequence: missense variant.
Genome position (GRCh38, 1-based): chr19:48,442,882, G>T. VCF-style: chr19-48442882-G-T. GRCh37 (hg19) VCF-style: chr19-48946139-G-T.
Other names: short protein forms G986C.
Identifiers: ClinVar variation 1388877 (VCV001388877.6), dbSNP rs1161885476, ClinGen allele CA406674403.